The following is an entry in ClinVar:

NM_000065.5(C6):c.1691T>C (p.Val564Ala)

Gene: C6 (complement C6; minus strand). Cytogenetic location: 5p13.1.
Variant type: single nucleotide variant.
Coding change: c.1691T>C on transcript NM_000065.5 (MANE Select); coding-DNA position 1691, T replaced by C.
Protein change: p.Val564Ala; replaces valine 564 with alanine.
Molecular consequence: missense variant.
Genome position (GRCh38, 1-based): chr5:41,159,247, A>G on the plus strand (T>C on the coding strand, the complement: C6 is on the minus strand). VCF-style: chr5-41159247-A-G. GRCh37 (hg19) VCF-style: chr5-41159349-A-G.
Other names: c.1691T>C, p.Val564Ala (NM_001115131.4); short protein forms V564A.
Identifiers: ClinVar variation 4700698 (VCV004700698.1).

ClinVar aggregate classification (germline): Uncertain significance (1 of 4 stars; one submission).

gnomAD v4.1: 1 of 1,613,124 alleles (0.000062%); highest among the groups gnomAD compares: East Asian, 0.0022%; no homozygotes.

Submission:

Labcorp Genetics (formerly Invitae), Labcorp
Classification: Uncertain significance. Last evaluated: 2025-06-29. Review status: criteria provided, single submitter. Criteria: Invitae Variant Classification Sherloc (09022015). Collection method: clinical testing. Allele origin: germline.
Comment: This sequence change replaces valine, which is neutral and non-polar, with alanine, which is neutral and non-polar, at codon 564 of the C6 protein (p.Val564Ala). This variant is present in population databases (no rsID available, gnomAD 0.006%). This variant has not been reported in the literature in individuals affected with C6-related conditions. An algorithm developed to predict the effect of missense changes on protein structure and function (PolyPhen-2) suggests that this variant is likely to be disruptive. In summary, the available evidence is currently insufficient to determine the role of this variant in disease. Therefore, it has been classified as a Variant of Uncertain Significance.